The following is an entry in ClinVar:

ClinVar aggregate classification (germline): Conflicting classifications of pathogenicity. Review status: criteria provided, conflicting classifications (1 of 4 stars). 3 submissions from 3 submitters: Uncertain significance (1); Likely benign (2). Last evaluated 2025-11-06.

Conditions:
DNAH11-related disorder. Also called: DNAH11-related condition.
Primary ciliary dyskinesia. Also called: Ciliary dyskinesia. Identifiers: Orphanet 244, MedGen C0008780, MONDO:0016575, HP:0012265.

Allele frequency attached by ClinVar (database versions not stated): gnomAD below 0.00001 and 0.00007; TOPMed 0.00002; gnomAD exomes 0.00015 and 0.00026; ExAC 0.00027; 1000 Genomes Project 0.00040; 1000 Genomes Project 30x 0.00047.
gnomAD v4.1: 235 of 1,613,942 alleles (0.015%); highest among the groups gnomAD compares: South Asian, 0.23%; no homozygotes.

Submissions (3):

Labcorp Genetics (formerly Invitae), Labcorp
Classification: Likely benign for Primary ciliary dyskinesia. Last evaluated: 2025-11-06. Review status: criteria provided, single submitter. Criteria: Invitae Variant Classification Sherloc (09022015). Collection method: clinical testing. Allele origin: germline.

PreventionGenetics, part of Exact Sciences
Classification: Likely benign for DNAH11-related condition. Last evaluated: 2025-01-28. Review status: criteria provided, single submitter. Criteria: ACMG Guidelines, 2015. Collection method: clinical testing. Allele origin: germline.
Comment: This variant is classified as likely benign based on ACMG/AMP sequence variant interpretation guidelines (Richards et al. 2015 PMID: 25741868, with internal and published modifications).

GeneDx
Classification: Uncertain significance. Last evaluated: 2024-04-01. Review status: criteria provided, single submitter. Criteria: GeneDx Variant Classification Process June 2021. Collection method: clinical testing. Allele origin: germline. Affected: yes.
Comment: In silico analysis supports that this missense variant has a deleterious effect on protein structure/function; Has not been previously published as pathogenic or benign to our knowledge

NM_001277115.2(DNAH11):c.11924C>T (p.Ala3975Val)

Gene: DNAH11 (dynein axonemal heavy chain 11; plus strand). Cytogenetic location: 7p15.3.
Variant type: single nucleotide variant.
Coding change: c.11924C>T on transcript NM_001277115.2 (MANE Select); coding-DNA position 11924, C replaced by T.
Protein change: p.Ala3975Val; replaces alanine 3975 with valine.
Molecular consequence: missense variant.
Genome position (GRCh38, 1-based): chr7:21,868,948, C>T. VCF-style: chr7-21868948-C-T. GRCh37 (hg19) VCF-style: chr7-21908566-C-T.
Other names: short protein forms A3975V.
Identifiers: ClinVar variation 454646 (VCV000454646.16), dbSNP rs374560534, ClinGen allele CA4182919.